The following is an entry in ClinVar:

ClinVar aggregate classification (germline): Uncertain significance (1 of 4 stars; one submission).

Allele frequency attached by ClinVar (database versions not stated): gnomAD exomes 0.00001; TOPMed 0.00003; ExAC 0.00002.
gnomAD v4.1: 12 of 1,614,164 alleles (0.00074%); highest among the groups gnomAD compares: Admixed American, 0.01%; no homozygotes.

Submission:

Labcorp Genetics (formerly Invitae), Labcorp
Classification: Uncertain significance. Last evaluated: 2024-02-24. Review status: criteria provided, single submitter. Criteria: Invitae Variant Classification Sherloc (09022015). Collection method: clinical testing. Allele origin: germline.
Comment: This sequence change replaces isoleucine, which is neutral and non-polar, with asparagine, which is neutral and polar, at codon 184 of the UPB1 protein (p.Ile184Asn). This variant is present in population databases (rs760896351, gnomAD 0.006%). This variant has not been reported in the literature in individuals affected with UPB1-related conditions. ClinVar contains an entry for this variant (Variation ID: 2075656). Advanced modeling of protein sequence and biophysical properties (such as structural, functional, and spatial information, amino acid conservation, physicochemical variation, residue mobility, and thermodynamic stability) performed at Invitae indicates that this missense variant is expected to disrupt UPB1 protein function with a positive predictive value of 80%. In summary, the available evidence is currently insufficient to determine the role of this variant in disease. Therefore, it has been classified as a Variant of Uncertain Significance.

NM_016327.3(UPB1):c.551T>A (p.Ile184Asn)

Gene: UPB1 (beta-ureidopropionase 1; plus strand). Cytogenetic location: 22q11.23.
Variant type: single nucleotide variant.
Coding change: c.551T>A on transcript NM_016327.3 (MANE Select); coding-DNA position 551, T replaced by A.
Protein change: p.Ile184Asn; replaces isoleucine 184 with asparagine.
Molecular consequence: missense variant.
Genome position (GRCh38, 1-based): chr22:24,513,415, T>A. VCF-style: chr22-24513415-T-A. GRCh37 (hg19) VCF-style: chr22-24909383-T-A.
Other names: short protein forms I184N.
Identifiers: ClinVar variation 2075656 (VCV002075656.4), dbSNP rs760896351, ClinGen allele CA10153263.